The following is an entry in ClinVar:

NM_002857.4(PEX19):c.696T>A (p.Phe232Leu)

Gene: PEX19 (peroxisomal biogenesis factor 19; minus strand). Cytogenetic location: 1q23.2.
Variant type: single nucleotide variant.
Coding change: c.696T>A on transcript NM_002857.4 (MANE Select); coding-DNA position 696, T replaced by A.
Protein change: p.Phe232Leu; replaces phenylalanine 232 with leucine.
Molecular consequence: missense variant. On other transcripts: non-coding transcript variant (2).
Genome position (GRCh38, 1-based): chr1:160,280,145, A>T on the plus strand (T>A on the coding strand, the complement: PEX19 is on the minus strand). VCF-style: chr1-160280145-A-T. GRCh37 (hg19) VCF-style: chr1-160249935-A-T.
Other names: c.696T>A, p.Phe232Leu (NM_001193644.1); short protein forms F232L.
Identifiers: ClinVar variation 1521525 (VCV001521525.8), dbSNP rs753324166, ClinGen allele CA1197275.

ClinVar aggregate classification (germline): Uncertain significance (1 of 4 stars; one submission).

Conditions:
Peroxisome biogenesis disorder 12A (Zellweger). Also called: Peroxisome biogenesis disorder 12A. Identifiers: Orphanet 912, MedGen C3554002, MONDO:0013951, OMIM 614886.

Allele frequency attached by ClinVar (database versions not stated): gnomAD exomes below 0.00001 and 0.00001; ExAC 0.00001; gnomAD 0.00002; TOPMed 0.00002.
gnomAD v4.1: 6 of 1,613,890 alleles (0.00037%); highest among the groups gnomAD compares: African/African-American, 0.0067%; no homozygotes.

Submission:

Labcorp Genetics (formerly Invitae), Labcorp
Classification: Uncertain significance for Peroxisome biogenesis disorder 12A (Zellweger). Last evaluated: 2023-12-11. Review status: criteria provided, single submitter. Criteria: Invitae Variant Classification Sherloc (09022015). Collection method: clinical testing. Allele origin: germline.
Comment: This sequence change replaces phenylalanine, which is neutral and non-polar, with leucine, which is neutral and non-polar, at codon 232 of the PEX19 protein (p.Phe232Leu). This variant is present in population databases (rs753324166, gnomAD 0.008%). This variant has not been reported in the literature in individuals affected with PEX19-related conditions. ClinVar contains an entry for this variant (Variation ID: 1521525). Advanced modeling of protein sequence and biophysical properties (such as structural, functional, and spatial information, amino acid conservation, physicochemical variation, residue mobility, and thermodynamic stability) performed at Invitae indicates that this missense variant is not expected to disrupt PEX19 protein function with a negative predictive value of 80%. In summary, the available evidence is currently insufficient to determine the role of this variant in disease. Therefore, it has been classified as a Variant of Uncertain Significance.